The following is an entry in ClinVar:

ClinVar aggregate classification (germline): Uncertain significance. Review status: criteria provided, multiple submitters, no conflicts (2 of 4 stars). 2 submissions from 2 submitters: Uncertain significance (2). Last evaluated 2023-07-27.

Conditions:
Malignant hyperthermia, susceptibility to, 1 (MHS1). Also called: Malignant hyperthermia suceptibility 1; Anesthesia related hyperthermia; Malignant hyperpyrexia; Fulminating hyperpyrexia; Pharmacogenic myopathy; RYR1-Related Malignant Hyperthermia Susceptibility. Identifiers: Orphanet 423, MedGen C2930980, MONDO:0007783, OMIM 145600.
RYR1-related disorder. Also called: RYR1-related condition; RYR1-related disorders. Identifiers: MedGen CN239331.

gnomAD v4.1: 1 of 1,613,716 alleles (0.000062%); highest among the groups gnomAD compares: South Asian, 0.0011%; no homozygotes.

Submissions (2):

Labcorp Genetics (formerly Invitae), Labcorp
Classification: Uncertain significance for RYR1-related disorder. Last evaluated: 2023-07-27. Review status: criteria provided, single submitter. Criteria: Invitae Variant Classification Sherloc (09022015). Collection method: clinical testing. Allele origin: germline.
Comment: In summary, the available evidence is currently insufficient to determine the role of this variant in disease. Therefore, it has been classified as a Variant of Uncertain Significance. Advanced modeling of protein sequence and biophysical properties (such as structural, functional, and spatial information, amino acid conservation, physicochemical variation, residue mobility, and thermodynamic stability) performed at Invitae indicates that this missense variant is not expected to disrupt RYR1 protein function. This variant has not been reported in the literature in individuals affected with RYR1-related conditions. This sequence change replaces histidine, which is basic and polar, with leucine, which is neutral and non-polar, at codon 1760 of the RYR1 protein (p.His1760Leu). This variant is present in population databases (rs758330549, gnomAD 0.003%).

All of Us Research Program, National Institutes of Health
Classification: Uncertain significance for Malignant hyperthermia, susceptibility to, 1. Last evaluated: 2023-03-28. Review status: criteria provided, single submitter. Criteria: ACMG Guidelines, 2015. Collection method: clinical testing. Allele origin: germline. Inheritance: Autosomal dominant inheritance. Observed: 1 variant allele, 1 heterozygote.
Comment: This study involves interpretation of variants in research participants for the purpose of population health screening. Participant phenotype was not available at the time of variant classification. Additional details can be found in publication PMID: 35346344, PMCID: PMC8962531

NM_000540.3(RYR1):c.5279A>T (p.His1760Leu)

Gene: RYR1 (ryanodine receptor 1; plus strand). Cytogenetic location: 19q13.2.
Variant type: single nucleotide variant.
Coding change: c.5279A>T on transcript NM_000540.3 (MANE Select); coding-DNA position 5279, A replaced by T.
Protein change: p.His1760Leu; replaces histidine 1760 with leucine.
Molecular consequence: missense variant.
Genome position (GRCh38, 1-based): chr19:38,485,934, A>T. VCF-style: chr19-38485934-A-T. GRCh37 (hg19) VCF-style: chr19-38976574-A-T.
Other names: c.5279A>T, p.His1760Leu (NM_001042723.2); short protein forms H1760L.
Identifiers: ClinVar variation 2776373 (VCV002776373.4), dbSNP rs758330549, ClinGen allele CA066849.
Genomic context (GRCh38, chr19:38,485,934, plus strand): 5'-AGACCCGCGCCATCACGCTCTTCCCTCCTGGAAGGAGCACAGAAAATGGTCACCCCCGGC[A>T]TGGCCTGCCGGGAGTTGGAGTCACCACTTCGCTGAGGCCCCCGCATCATTTCTCGCCCCC-3'
Protein context (NP_000531.2, residues 1750-1770): GRSTENGHPR[His1760Leu]GLPGVGVTTS